The following is an entry in ClinVar:

ClinVar aggregate classification (germline): Uncertain significance (1 of 4 stars; one submission).

Allele frequency attached by ClinVar (database versions not stated): gnomAD exomes below 0.00001.
gnomAD v4.1: 1 of 1,211,690 alleles (0.000083%); highest among the groups gnomAD compares: African/African-American, 0.0017%; no homozygotes.

Submission:

GeneDx
Classification: Uncertain significance. Last evaluated: 2024-05-23. Review status: criteria provided, single submitter. Criteria: GeneDx Variant Classification Process June 2021. Collection method: clinical testing. Allele origin: germline. Affected: yes.
Comment: Not observed at significant frequency in large population cohorts (gnomAD); In silico analysis indicates that this missense variant does not alter protein structure/function; Has not been previously published as pathogenic or benign to our knowledge

NM_000284.4(PDHA1):c.643A>G (p.Lys215Glu)

Gene: PDHA1 (pyruvate dehydrogenase E1 subunit alpha 1; plus strand). Cytogenetic location: Xp22.12.
Variant type: single nucleotide variant.
Coding change: c.643A>G on transcript NM_000284.4 (MANE Select); coding-DNA position 643, A replaced by G.
Protein change: p.Lys215Glu; replaces lysine 215 with glutamic acid.
Molecular consequence: missense variant.
Genome position (GRCh38, 1-based): chrX:19,355,388, A>G. VCF-style: chrX-19355388-A-G. GRCh37 (hg19) VCF-style: chrX-19373506-A-G.
Other names: c.757A>G, p.Lys253Glu (NM_001173454.2); c.664A>G, p.Lys222Glu (NM_001173455.2); c.550A>G, p.Lys184Glu (NM_001173456.2); short protein forms K184E, K215E, K222E, K253E.
Identifiers: ClinVar variation 2504397 (VCV002504397.2), dbSNP rs2518499685, ClinGen allele CA412394409.
Genomic context (GRCh38, chrX:19,355,388, plus strand): 5'-CCTTTTCGTAACTACTTCCAGGGCCAGATATTCGAAGCTTACAACATGGCAGCTTTGTGG[A>G]AATTACCTTGTATTTTCATCTGTGAGAATAATCGCTATGGAATGGGAACGTCTGTTGAGA-3'
Protein context (NP_000275.1, residues 205-225): FEAYNMAALW[Lys215Glu]LPCIFICENN